The following is an entry in ClinVar:

NM_021961.6(TEAD1):c.1017G>A (p.Thr339=)

Gene: TEAD1 (TEA domain transcription factor 1; plus strand). Cytogenetic location: 11p15.3.
Variant type: single nucleotide variant.
Coding change: c.1017G>A on transcript NM_021961.6 (MANE Select); coding-DNA position 1017, G replaced by A.
Protein change: p.Thr339=; no amino-acid change (threonine 339 retained).
Molecular consequence: synonymous variant.
Genome position (GRCh38, 1-based): chr11:12,930,176, G>A. VCF-style: chr11-12930176-G-A. GRCh37 (hg19) VCF-style: chr11-12951723-G-A.
Identifiers: ClinVar variation 1505197 (VCV001505197.7), dbSNP rs186960104, ClinGen allele CA5891804.

ClinVar aggregate classification (germline): Conflicting classifications of pathogenicity. Review status: criteria provided, conflicting classifications (1 of 4 stars). 2 submissions from 2 submitters: Uncertain significance (1); Likely benign (1). Last evaluated 2024-10-31.

Allele frequency attached by ClinVar (database versions not stated): ExAC 0.00002; gnomAD 0.00002; gnomAD exomes 0.00003; TOPMed 0.00003; 1000 Genomes Project 30x 0.00016; 1000 Genomes Project 0.00020.
gnomAD v4.1: 65 of 1,614,148 alleles (0.004%); highest among the groups gnomAD compares: Non-Finnish European, 0.0054%; no homozygotes.

Submissions (2):

Blueprint Genetics
Classification: Likely benign. Last evaluated: 2024-10-31. Review status: criteria provided, single submitter. Criteria: ACMG Guidelines, 2015. Collection method: clinical testing. Allele origin: germline.

Labcorp Genetics (formerly Invitae), Labcorp
Classification: Uncertain significance. Last evaluated: 2023-07-30. Review status: criteria provided, single submitter. Criteria: Invitae Variant Classification Sherloc (09022015). Collection method: clinical testing. Allele origin: germline.
Comment: This sequence change affects codon 339 of the TEAD1 mRNA. It is a 'silent' change, meaning that it does not change the encoded amino acid sequence of the TEAD1 protein. This variant is present in population databases (rs186960104, gnomAD 0.007%). This variant has not been reported in the literature in individuals affected with TEAD1-related conditions. ClinVar contains an entry for this variant (Variation ID: 1505197). Algorithms developed to predict the effect of sequence changes on RNA splicing suggest that this variant may disrupt the consensus splice site. In summary, the available evidence is currently insufficient to determine the role of this variant in disease. Therefore, it has been classified as a Variant of Uncertain Significance.